The following is an entry in ClinVar:

NM_031935.3(HMCN1):c.14438-2A>G

Gene: HMCN1 (hemicentin 1; plus strand). Cytogenetic location: 1q31.1.
Variant type: single nucleotide variant.
Coding change: c.14438-2A>G on transcript NM_031935.3 (MANE Select); the canonical splice acceptor site of the intron before coding-DNA position 14438, A replaced by G.
Molecular consequence: splice acceptor variant.
Genome position (GRCh38, 1-based): chr1:186,145,751, A>G. VCF-style: chr1-186145751-A-G. GRCh37 (hg19) VCF-style: chr1-186114883-A-G.
Identifiers: ClinVar variation 3018452 (VCV003018452.3), dbSNP rs747343448, ClinGen allele CA1294960.

ClinVar aggregate classification (germline): Uncertain significance (1 of 4 stars; one submission).

Allele frequency attached by ClinVar (database versions not stated): gnomAD 0.00001; gnomAD exomes 0.00001; TOPMed below 0.00001; ExAC 0.00001.
gnomAD v4.1: 22 of 1,614,014 alleles (0.0014%); highest among the groups gnomAD compares: Middle Eastern, 0.016%; no homozygotes.

Submission:

Labcorp Genetics (formerly Invitae), Labcorp
Classification: Uncertain significance. Last evaluated: 2025-12-02. Review status: criteria provided, single submitter. Criteria: Invitae Variant Classification Sherloc (09022015). Collection method: clinical testing. Allele origin: germline.
Comment: This sequence change affects an acceptor splice site in intron 92 of the HMCN1 gene. It is expected to disrupt RNA splicing. Variants that disrupt the donor or acceptor splice site typically lead to a loss of protein function (PMID: 16199547), however the current clinical and genetic evidence is not sufficient to establish whether loss-of-function variants in HMCN1 cause disease. This variant is present in population databases (rs747343448, gnomAD 0.0009%). This variant has not been reported in the literature in individuals affected with HMCN1-related conditions. ClinVar contains an entry for this variant (Variation ID: 3018452). Algorithms developed to predict the effect of sequence changes on RNA splicing suggest that this variant may disrupt the consensus splice site. In summary, the available evidence is currently insufficient to determine the role of this variant in disease. Therefore, it has been classified as a Variant of Uncertain Significance.

Literature cited by the submitters: PubMed 16199547.